The following is an entry in ClinVar:

NM_000426.4(LAMA2):c.4391A>G (p.Asn1464Ser)

Gene: LAMA2 (laminin subunit alpha 2; plus strand). Cytogenetic location: 6q22.33.
Variant type: single nucleotide variant.
Coding change: c.4391A>G on transcript NM_000426.4 (MANE Select); coding-DNA position 4391, A replaced by G.
Protein change: p.Asn1464Ser; replaces asparagine 1464 with serine.
Molecular consequence: missense variant.
Genome position (GRCh38, 1-based): chr6:129,342,422, A>G. VCF-style: chr6-129342422-A-G. GRCh37 (hg19) VCF-style: chr6-129663567-A-G.
Other names: c.4391A>G, p.Asn1464Ser (NM_001079823.2); short protein forms N1464S.
Identifiers: ClinVar variation 2141781 (VCV002141781.1), dbSNP rs371682826, ClinGen allele CA3993532.

ClinVar aggregate classification (germline): Uncertain significance (1 of 4 stars; one submission).

Conditions:
LAMA2-related muscular dystrophy (LAMA2-RD). Also called: Laminin alpha 2-related dystrophy. Identifiers: MedGen C5679788, MONDO:0100228.

Allele frequency attached by ClinVar (database versions not stated): ESP Exome Variant Server 0.00008; TOPMed below 0.00001; ExAC 0.00001; gnomAD 0.00001; gnomAD exomes 0.00001.
gnomAD v4.1: 11 of 1,613,392 alleles (0.00068%); highest among the groups gnomAD compares: African/African-American, 0.0013%; no homozygotes.

Submission:

Labcorp Genetics (formerly Invitae), Labcorp
Classification: Uncertain significance for LAMA2-related muscular dystrophy. Last evaluated: 2022-02-08. Review status: criteria provided, single submitter. Criteria: Invitae Variant Classification Sherloc (09022015). Collection method: clinical testing. Allele origin: germline.
Comment: This sequence change replaces asparagine, which is neutral and polar, with serine, which is neutral and polar, at codon 1464 of the LAMA2 protein (p.Asn1464Ser). This variant is present in population databases (rs371682826, gnomAD 0.0009%). This variant has not been reported in the literature in individuals affected with LAMA2-related conditions. Advanced modeling of protein sequence and biophysical properties (such as structural, functional, and spatial information, amino acid conservation, physicochemical variation, residue mobility, and thermodynamic stability) performed at Invitae indicates that this missense variant is not expected to disrupt LAMA2 protein function. Algorithms developed to predict the effect of sequence changes on RNA splicing suggest that this variant may create or strengthen a splice site. In summary, the available evidence is currently insufficient to determine the role of this variant in disease. Therefore, it has been classified as a Variant of Uncertain Significance.